The following is an entry in ClinVar:

ClinVar aggregate classification (germline): Uncertain significance (1 of 4 stars; one submission).

gnomAD v4.1: 22 of 1,613,906 alleles (0.0014%); highest among the groups gnomAD compares: Non-Finnish European, 0.0018%; no homozygotes.

Submission:

Labcorp Genetics (formerly Invitae), Labcorp
Classification: Uncertain significance. Last evaluated: 2022-08-23. Review status: criteria provided, single submitter. Criteria: Invitae Variant Classification Sherloc (09022015). Collection method: clinical testing. Allele origin: germline.
Comment: This sequence change replaces arginine, which is basic and polar, with glycine, which is neutral and non-polar, at codon 1031 of the PCNT protein (p.Arg1031Gly). This variant is present in population databases (rs766301934, gnomAD 0.003%). This variant has not been reported in the literature in individuals affected with PCNT-related conditions. ClinVar contains an entry for this variant (Variation ID: 1462018). Algorithms developed to predict the effect of missense changes on protein structure and function are either unavailable or do not agree on the potential impact of this missense change (SIFT: "Deleterious"; PolyPhen-2: "Possibly Damaging"; Align-GVGD: "Class C15"). In summary, the available evidence is currently insufficient to determine the role of this variant in disease. Therefore, it has been classified as a Variant of Uncertain Significance.

NM_006031.6(PCNT):c.3091C>G (p.Arg1031Gly)

Gene: PCNT (pericentrin; plus strand). Cytogenetic location: 21q22.3.
Variant type: single nucleotide variant.
Coding change: c.3091C>G on transcript NM_006031.6 (MANE Select); coding-DNA position 3091, C replaced by G.
Protein change: p.Arg1031Gly; replaces arginine 1031 with glycine.
Molecular consequence: missense variant.
Genome position (GRCh38, 1-based): chr21:46,367,065, C>G. VCF-style: chr21-46367065-C-G. GRCh37 (hg19) VCF-style: chr21-47786980-C-G.
Other names: c.2737C>G, p.Arg913Gly (NM_001315529.2); short protein forms R913G, R1031G.
Identifiers: ClinVar variation 1462018 (VCV001462018.3), dbSNP rs766301934, ClinGen allele CA10079168.